The following is an entry in ClinVar:

ClinVar aggregate classification (germline): Benign. Review status: criteria provided, multiple submitters, no conflicts (2 of 4 stars). 7 submissions from 7 submitters: Benign (7). Last evaluated 2026-01-28.

Conditions:
Anterior segment dysgenesis. Also called: Ocular anterior segment dysgenesis. Identifiers: Orphanet 88632, MedGen C1862839, MONDO:0019503, HP:0007700.
Congenital primary aphakia. Also called: Anterior segment dysgenesis 2, multiple subtypes; ANTERIOR SEGMENT DYSGENESIS 2. Identifiers: Orphanet 83461, MedGen C1853230, MONDO:0012456, OMIM 610256.
Cardiovascular phenotype. Identifiers: MedGen CN230736.
Anterior segment dysgenesis 1 (ASGD1). Identifiers: MedGen C4551992, MONDO:0007138, OMIM 107250.

Allele frequency attached by ClinVar (database versions not stated): ExAC below 0.00001; gnomAD 0.01320 and 0.01396; TOPMed 0.01337; 1000 Genomes Project 0.01478; 1000 Genomes Project 30x 0.01593.
gnomAD v4.1: 2,989 of 1,120,580 alleles (0.27%); highest among the groups gnomAD compares: African/African-American, 4.5%; 59 homozygotes.

Submissions (7):

Labcorp Genetics (formerly Invitae), Labcorp
Classification: Benign for Anterior segment dysgenesis; Congenital primary aphakia. Last evaluated: 2026-01-28. Review status: criteria provided, single submitter. Criteria: Invitae Variant Classification Sherloc (09022015). Collection method: clinical testing. Allele origin: germline.

CeGaT Center for Human Genetics Tuebingen
Classification: Benign. Last evaluated: 2024-10-01. Review status: criteria provided, single submitter. Criteria: CeGaT Center For Human Genetics Tuebingen Variant Classification Criteria Version 2. Collection method: clinical testing. Allele origin: germline. Affected: yes. Observed: 1 variant allele.
Comment: FOXE3: BS1, BS2

Ambry Genetics
Classification: Benign for Cardiovascular phenotype. Last evaluated: 2019-09-05. Review status: criteria provided, single submitter. Criteria: Ambry Variant Classification Scheme 2023. Collection method: clinical testing. Allele origin: germline.

Mendelics
Classification: Benign for Anterior segment dysgenesis 1. Last evaluated: 2019-05-28. Review status: criteria provided, single submitter. Criteria: Mendelics Assertion Criteria 2017. Collection method: clinical testing. Allele origin: unknown.

GeneDx
Classification: Benign. Last evaluated: 2019-01-07. Review status: criteria provided, single submitter. Criteria: GeneDx Variant Classification Process June 2021. Collection method: clinical testing. Allele origin: germline. Affected: yes.
Comment: This variant is associated with the following publications: (PMID: 20140963, 19708017, 20664696, 21730847, 21150893, 29314435)

Eurofins Ntd Llc (ga)
Classification: Benign. Last evaluated: 2017-04-11. Review status: criteria provided, single submitter. Criteria: EGL Classification Definitions 2015. Collection method: clinical testing. Allele origin: germline. Observed: 1 variant allele, 1 heterozygote.

Breakthrough Genomics
Classification: Benign. Review status: criteria provided, single submitter. Criteria: ACMG Guidelines, 2015. Collection method: not provided. Allele origin: germline. Inheritance: Autosomal recessive inheritance. Affected: yes.

NM_012186.3(FOXE3):c.146G>C (p.Gly49Ala)

Genes: LINC01389 (long independently transcribed non-coding RNA 1389; minus strand), FOXE3 (forkhead box E3; plus strand). Cytogenetic location: 1p33.
Variant type: single nucleotide variant.
Coding change: c.146G>C on transcript NM_012186.3 (MANE Select); coding-DNA position 146, G replaced by C.
Protein change: p.Gly49Ala; replaces glycine 49 with alanine.
Molecular consequence: missense variant.
Genome position (GRCh38, 1-based): chr1:47,416,461, G>C. VCF-style: chr1-47416461-G-C. GRCh37 (hg19) VCF-style: chr1-47882133-G-C.
Other names: short protein forms G49A.
Identifiers: ClinVar variation 501413 (VCV000501413.35), dbSNP rs566961335, ClinGen allele CA842908.